The following is an entry in ClinVar:

ClinVar aggregate classification (germline): Uncertain significance. Review status: criteria provided, multiple submitters, no conflicts (2 of 4 stars). 2 submissions from 2 submitters: Uncertain significance (2). Last evaluated 2025-01-28.

Conditions:
Inborn genetic diseases. Identifiers: MedGen C0950123, MeSH D030342.

Allele frequency attached by ClinVar (database versions not stated): gnomAD exomes 0.00001 and 0.00002; ExAC 0.00001; TOPMed 0.00002; gnomAD 0.00001.
gnomAD v4.1: 17 of 1,613,862 alleles (0.0011%); highest among the groups gnomAD compares: East Asian, 0.0022%; no homozygotes.

Submissions (2):

Mayo Clinic Laboratories, Mayo Clinic
Classification: Uncertain significance. Last evaluated: 2025-01-28. Review status: criteria provided, single submitter. Criteria: ACMG Guidelines, 2015. Collection method: clinical testing. Allele origin: germline. Observed: 2 variant alleles.
Comment: PM2_supporting

Ambry Genetics
Classification: Uncertain significance for Inborn genetic diseases. Last evaluated: 2022-11-03. Review status: criteria provided, single submitter. Criteria: Ambry Variant Classification Scheme 2023. Collection method: clinical testing. Allele origin: germline.

NM_024306.5(FA2H):c.1009G>A (p.Val337Ile)

Gene: FA2H (fatty acid 2-hydroxylase; minus strand). Cytogenetic location: 16q23.1.
Variant type: single nucleotide variant.
Coding change: c.1009G>A on transcript NM_024306.5 (MANE Select); coding-DNA position 1009, G replaced by A.
Protein change: p.Val337Ile; replaces valine 337 with isoleucine.
Molecular consequence: missense variant.
Genome position (GRCh38, 1-based): chr16:74,716,377, C>T on the plus strand (G>A on the coding strand, the complement: FA2H is on the minus strand). VCF-style: chr16-74716377-C-T. GRCh37 (hg19) VCF-style: chr16-74750275-C-T.
Other names: p.Val337Ile; short protein forms V337I.
Identifiers: ClinVar variation 1693663 (VCV001693663.8), dbSNP rs778049749, ClinGen allele CA8170333.
Genomic context (GRCh38, chr16:74,716,377, plus strand): 5'-GGGGGCTGGGAAGCACAGGCCCATCCTCACCTGACTTCTGATGTGCAAAGTGGTGCTTGA[C>T]GTGGTGGGCCTTCAGGCTGTACAGGTAGGAGCCCTTGTGCGGCGAGCCAAAGTGCAGGTA-3'
Protein context (NP_077282.3, residues 327-347): SYLYSLKAHH[Val337Ile]KHHFAHQKSG